The following is an entry in ClinVar:

ClinVar aggregate classification (germline): Likely benign. Review status: criteria provided, multiple submitters, no conflicts (2 of 4 stars). 3 submissions from 3 submitters: Likely benign (2). 1 of the submissions does not count toward it. Last evaluated 2025-05-29.

Conditions:
Nephronophthisis. Also called: Juvenile Nephronophthisis. Identifiers: Orphanet 655, MedGen C0687120, MONDO:0019005, HP:0000090.
NPHP4-related disorder. Also called: NPHP4-related condition; NPHP4-related disorders. Identifiers: MedGen CN239384.

Allele frequency attached by ClinVar (database versions not stated): gnomAD exomes 0.00002 and 0.00006; ExAC 0.00003; gnomAD 0.00003; TOPMed 0.00005; ESP Exome Variant Server 0.00016.
gnomAD v4.1: 99 of 1,613,232 alleles (0.0061%); highest among the groups gnomAD compares: Non-Finnish European, 0.0079%; no homozygotes.

Submissions (3):

Labcorp Genetics (formerly Invitae), Labcorp
Classification: Likely benign for Nephronophthisis. Last evaluated: 2025-05-29. Review status: criteria provided, single submitter. Criteria: Invitae Variant Classification Sherloc (09022015). Collection method: clinical testing. Allele origin: germline.

Blueprint Genetics
Classification: Likely benign. Last evaluated: 2024-05-22. Review status: criteria provided, single submitter. Criteria: ACMG Guidelines, 2015. Collection method: clinical testing. Allele origin: germline.

PreventionGenetics, part of Exact Sciences
Classification: Likely benign for NPHP4-related condition. Last evaluated: 2021-01-20. Review status: no assertion criteria provided. Collection method: clinical testing. Allele origin: germline. Not counted in ClinVar's aggregate classification.
Comment: This variant is classified as likely benign based on ACMG/AMP sequence variant interpretation guidelines (Richards et al. 2015 PMID: 25741868, with internal and published modifications).

NM_015102.5(NPHP4):c.2358C>T (p.Val786=)

Gene: NPHP4 (nephrocystin 4; minus strand). Cytogenetic location: 1p36.31.
Variant type: single nucleotide variant.
Coding change: c.2358C>T on transcript NM_015102.5 (MANE Select); coding-DNA position 2358, C replaced by T.
Protein change: p.Val786=; no amino-acid change (valine 786 retained).
Molecular consequence: synonymous variant. On other transcripts: non-coding transcript variant (1).
Genome position (GRCh38, 1-based): chr1:5,887,413, G>A on the plus strand (C>T on the coding strand, the complement: NPHP4 is on the minus strand). VCF-style: chr1-5887413-G-A. GRCh37 (hg19) VCF-style: chr1-5947473-G-A.
Other names: c.819C>T, p.Val273= (NM_001291593.2); c.822C>T, p.Val274= (NM_001291594.2).
Identifiers: ClinVar variation 703430 (VCV000703430.14), dbSNP rs371647995, ClinGen allele CA554144.